The following is an entry in ClinVar:

ClinVar aggregate classification (germline): Pathogenic/Likely pathogenic. Review status: criteria provided, multiple submitters, no conflicts (2 of 4 stars). 3 submissions from 3 submitters: Pathogenic (1); Likely pathogenic (1). 1 of the submissions does not count toward it. Last evaluated 2023-07-24.

Conditions:
Retinitis pigmentosa (RP). Identifiers: Orphanet 791, MedGen C0035334, MeSH D012174, MONDO:0019200, OMIM 268000. Inheritance: Autosomal dominant, autosomal recessive and X linked inheritance.
Retinal dystrophy. Also called: Inherited retinal dystrophy. Identifiers: Orphanet 71862, MedGen C0854723, MeSH D058499, MONDO:0019118, HP:0000556.

Submissions (3):

Ophthalmic Genetics Group, Institute of Molecular and Clinical Ophthalmology Basel
Classification: Pathogenic for Retinitis pigmentosa. Last evaluated: 2023-07-24. Review status: criteria provided, single submitter. Criteria: ACMG Guidelines, 2015. Collection method: research. Allele origin: germline. Affected: yes. Observed: 1 variant allele.
Comment: Clinical significance based on ACMG v2.0

This variant was classified as Pathogenic based on ACMG criteria: PVS1, PM2, PP5.

Institute of Medical Genetics and Applied Genomics, University Hospital Tübingen
Classification: Likely pathogenic. Last evaluated: 2020-10-23. Review status: criteria provided, single submitter. Criteria: ACMG Guidelines, 2015. Collection method: clinical testing. Allele origin: germline. Inheritance: Autosomal recessive inheritance. Affected: yes.

Institute of Human Genetics, Univ. Regensburg, Univ. Regensburg
Classification: Pathogenic for Retinal dystrophy. Last evaluated: 2019-01-01. Review status: no assertion criteria provided. Criteria: ACMG Guidelines, 2015. Collection method: clinical testing. Allele origin: germline. Affected: yes. Not counted in ClinVar's aggregate classification.

Literature cited by the submitters: PubMed 36909829 (cited by Ophthalmic Genetics Group, Institute of Molecular and Clinical Ophthalmology Basel).

NM_000350.3(ABCA4):c.4849-2A>G

Genes: ABCA4 (ATP binding cassette subfamily A member 4; minus strand), LOC126805793 (CDK7 strongly-dependent group 2 enhancer GRCh37_chr1:94486302-94487501; plus strand). Cytogenetic location: 1p22.1.
Variant type: single nucleotide variant.
Coding change: c.4849-2A>G on transcript NM_000350.3 (MANE Select); the canonical splice acceptor site of the intron before coding-DNA position 4849, A replaced by G.
Molecular consequence: splice acceptor variant.
Genome position (GRCh38, 1-based): chr1:94,021,411, T>C on the plus strand (A>G on the coding strand, the complement: ABCA4 is on the minus strand). VCF-style: chr1-94021411-T-C. GRCh37 (hg19) VCF-style: chr1-94486967-T-C.
Other names: NC_000001.10:g.94486967T>C; NP_000341.2:p.?.
Identifiers: ClinVar variation 986969 (VCV000986969.4), dbSNP rs1659893796, ClinGen allele CA341283248.